The following is an entry in ClinVar:

ClinVar aggregate classification (germline): Uncertain significance (1 of 4 stars; one submission).

Allele frequency attached by ClinVar (database versions not stated): gnomAD exomes below 0.00001; TOPMed below 0.00001.
gnomAD v4.1: 2 of 1,614,152 alleles (0.00012%); highest among the groups gnomAD compares: Admixed American, 0.0033%; no homozygotes.

Submission:

GeneDx
Classification: Uncertain significance. Last evaluated: 2019-10-17. Review status: criteria provided, single submitter. Criteria: GeneDx Variant Classification Process June 2021. Collection method: clinical testing. Allele origin: germline. Affected: yes.
Comment: Not observed in large population cohorts (Lek et al., 2016); In silico analysis, which includes protein predictors and evolutionary conservation, supports a deleterious effect; Has not been previously published as pathogenic or benign to our knowledge

NM_015378.4(VPS13D):c.4843T>C (p.Phe1615Leu)

Gene: VPS13D (vacuolar protein sorting 13 homolog D; plus strand). Cytogenetic location: 1p36.22.
Variant type: single nucleotide variant.
Coding change: c.4843T>C on transcript NM_015378.4 (MANE Select); coding-DNA position 4843, T replaced by C.
Protein change: p.Phe1615Leu; replaces phenylalanine 1615 with leucine.
Molecular consequence: missense variant.
Genome position (GRCh38, 1-based): chr1:12,282,945, T>C. VCF-style: chr1-12282945-T-C. GRCh37 (hg19) VCF-style: chr1-12343002-T-C.
Other names: c.4843T>C, p.Phe1615Leu (NM_018156.4); short protein forms F1615L.
Identifiers: ClinVar variation 1304911 (VCV001304911.2), dbSNP rs1641832587, ClinGen allele CA338481667.